The following is an entry in ClinVar:

NM_004239.4(TRIP11):c.134T>A (p.Val45Glu)

Gene: TRIP11 (thyroid hormone receptor interactor 11; minus strand). Cytogenetic location: 14q32.12.
Variant type: single nucleotide variant.
Coding change: c.134T>A on transcript NM_004239.4 (MANE Select); coding-DNA position 134, T replaced by A.
Protein change: p.Val45Glu; replaces valine 45 with glutamic acid.
Molecular consequence: missense variant.
Genome position (GRCh38, 1-based): chr14:92,039,552, A>T on the plus strand (T>A on the coding strand, the complement: TRIP11 is on the minus strand). VCF-style: chr14-92039552-A-T. GRCh37 (hg19) VCF-style: chr14-92505896-A-T.
Other names: c.134T>A, p.Val45Glu (NM_001321851.1); short protein forms V45E.
Identifiers: ClinVar variation 4633612 (VCV004633612.1).

ClinVar aggregate classification (germline): Uncertain significance (1 of 4 stars; one submission).

Conditions:
Inborn genetic diseases. Identifiers: MedGen C0950123, MeSH D030342.

gnomAD v4.1: 42 of 1,613,558 alleles (0.0026%); highest among the groups gnomAD compares: Non-Finnish European, 0.0033%; no homozygotes.

Submission:

Ambry Genetics
Classification: Uncertain significance for Inborn genetic diseases. Last evaluated: 2025-10-07. Review status: criteria provided, single submitter. Criteria: Ambry Variant Classification Scheme 2023. Collection method: clinical testing. Allele origin: germline.
Comment: The c.134T>A (p.V45E) alteration is located in exon 1 (coding exon 1) of the TRIP11 gene. This alteration results from a T to A substitution at nucleotide position 134, causing the valine (V) at amino acid position 45 to be replaced by a glutamic acid (E). Based on data from gnomAD, the A allele has an overall frequency of 0.002% (5/280888) total alleles studied. The highest observed frequency was 0.004% (5/127434) of European (non-Finnish) alleles. Based on insufficient or conflicting evidence, the clinical significance of this alteration remains unclear.